The following is an entry in ClinVar:

ClinVar aggregate classification (germline): Uncertain significance (1 of 4 stars; one submission).

Conditions:
Pitt-Hopkins-like syndrome 2 (PTHSL2). Identifiers: Orphanet 221150, Orphanet 600663, MedGen C3280479, MONDO:0013690, OMIM 614325.

Submission:

Labcorp Genetics (formerly Invitae), Labcorp
Classification: Uncertain significance for Pitt-Hopkins-like syndrome 2. Last evaluated: 2025-01-23. Review status: criteria provided, single submitter. Criteria: Invitae Variant Classification Sherloc (09022015). Collection method: clinical testing. Allele origin: germline.
Comment: This sequence change replaces glycine, which is neutral and non-polar, with alanine, which is neutral and non-polar, at codon 2 of the NRXN1 protein (p.Gly2Ala). This variant is not present in population databases (gnomAD no frequency). This variant has not been reported in the literature in individuals affected with NRXN1-related conditions. ClinVar contains an entry for this variant (Variation ID: 2725612). An algorithm developed to predict the effect of missense changes on protein structure and function (PolyPhen-2) suggests that this variant is likely to be tolerated. In summary, the available evidence is currently insufficient to determine the role of this variant in disease. Therefore, it has been classified as a Variant of Uncertain Significance.

NM_001330078.2(NRXN1):c.5G>C (p.Gly2Ala)

Gene: NRXN1 (neurexin 1; minus strand). Cytogenetic location: 2p16.3.
Variant type: single nucleotide variant.
Coding change: c.5G>C on transcript NM_001330078.2 (MANE Select); coding-DNA position 5, G replaced by C.
Protein change: p.Gly2Ala; replaces glycine 2 with alanine.
Molecular consequence: missense variant.
Genome position (GRCh38, 1-based): chr2:51,028,269, C>G on the plus strand (G>C on the coding strand, the complement: NRXN1 is on the minus strand). VCF-style: chr2-51028269-C-G. GRCh37 (hg19) VCF-style: chr2-51255407-C-G.
Other names: c.5G>C, p.Gly2Ala (NM_001330090.2, NM_001330093.2, NM_001330094.2 and 15 more transcripts); short protein forms G2A.
Identifiers: ClinVar variation 2725612 (VCV002725612.3), dbSNP rs947102418, ClinGen allele CA346824899.